The following is an entry in ClinVar:

ClinVar aggregate classification (germline): Uncertain significance (1 of 4 stars; one submission).

Conditions:
Norman-Roberts syndrome (LIS2). Also called: Lissencephaly 2 (Norman-Roberts type). Identifiers: Orphanet 89844, MedGen C0796089, MONDO:0009760, OMIM 257320.
Familial temporal lobe epilepsy 7. Identifiers: Orphanet 101046, MedGen C4225327, MONDO:0014639, OMIM 616436.

Allele frequency attached by ClinVar (database versions not stated): gnomAD exomes below 0.00001; gnomAD 0.00001; TOPMed 0.00001.

Submission:

Labcorp Genetics (formerly Invitae), Labcorp
Classification: Uncertain significance for Familial temporal lobe epilepsy 7; Norman-Roberts syndrome. Last evaluated: 2022-09-17. Review status: criteria provided, single submitter. Criteria: Invitae Variant Classification Sherloc (09022015). Collection method: clinical testing. Allele origin: germline.
Comment: This variant has not been reported in the literature in individuals affected with RELN-related conditions. In summary, the available evidence is currently insufficient to determine the role of this variant in disease. Therefore, it has been classified as a Variant of Uncertain Significance. Advanced modeling of protein sequence and biophysical properties (such as structural, functional, and spatial information, amino acid conservation, physicochemical variation, residue mobility, and thermodynamic stability) performed at Invitae indicates that this missense variant is not expected to disrupt RELN protein function. This variant is not present in population databases (gnomAD no frequency). This sequence change replaces methionine, which is neutral and non-polar, with threonine, which is neutral and polar, at codon 1996 of the RELN protein (p.Met1996Thr).

NM_005045.4(RELN):c.5987T>C (p.Met1996Thr)

Gene: RELN (reelin; minus strand). Cytogenetic location: 7q22.1.
Variant type: single nucleotide variant.
Coding change: c.5987T>C on transcript NM_005045.4 (MANE Select); coding-DNA position 5987, T replaced by C.
Protein change: p.Met1996Thr; replaces methionine 1996 with threonine.
Molecular consequence: missense variant.
Genome position (GRCh38, 1-based): chr7:103,553,546, A>G on the plus strand (T>C on the coding strand, the complement: RELN is on the minus strand). VCF-style: chr7-103553546-A-G. GRCh37 (hg19) VCF-style: chr7-103193993-A-G.
Other names: c.5987T>C, p.Met1996Thr (NM_173054.3); short protein forms M1996T.
Identifiers: ClinVar variation 1948702 (VCV001948702.5), dbSNP rs1167906794, ClinGen allele CA368739530.